The following is an entry in ClinVar:

NM_001853.4(COL9A3):c.1882G>A (p.Gly628Ser)

Gene: COL9A3 (collagen type IX alpha 3 chain; plus strand). Cytogenetic location: 20q13.33.
Variant type: single nucleotide variant.
Coding change: c.1882G>A on transcript NM_001853.4 (MANE Select); coding-DNA position 1882, G replaced by A.
Protein change: p.Gly628Ser; replaces glycine 628 with serine.
Molecular consequence: missense variant.
Genome position (GRCh38, 1-based): chr20:62,840,559, G>A. VCF-style: chr20-62840559-G-A. GRCh37 (hg19) VCF-style: chr20-61471911-G-A.
Other names: short protein forms G628S.
Identifiers: ClinVar variation 1986928 (VCV001986928.4), dbSNP rs746704470, ClinGen allele CA9950249.
Genomic context (GRCh38, chr20:62,840,559, plus strand): 5'-AGTCCGGGCTGCAGCTGAACTCACCTTTCTGCTCTGTCCCAAGGACCCCAAGGCGTGCCC[G>A]GCACCAGCAAGGACGGCCAGGACGGTGCTCCCGGCGAGCCTGGGCCTCCCGGAGATCCTG-3'
Protein context (NP_001844.3, residues 618-638): QGPQGPQGVP[Gly628Ser]TSKDGQDGAP

ClinVar aggregate classification (germline): Uncertain significance (1 of 4 stars; one submission).

Allele frequency attached by ClinVar (database versions not stated): gnomAD 0.00001; TOPMed 0.00001; gnomAD exomes 0.00002; ExAC 0.00003.
gnomAD v4.1: 35 of 1,611,984 alleles (0.0022%); highest among the groups gnomAD compares: Non-Finnish European, 0.0025%; no homozygotes.

Submission:

Labcorp Genetics (formerly Invitae), Labcorp
Classification: Uncertain significance. Last evaluated: 2025-09-09. Review status: criteria provided, single submitter. Criteria: Invitae Variant Classification Sherloc (09022015). Collection method: clinical testing. Allele origin: germline.
Comment: This sequence change replaces glycine, which is neutral and non-polar, with serine, which is neutral and polar, at codon 628 of the COL9A3 protein (p.Gly628Ser). This variant is present in population databases (rs746704470, gnomAD 0.005%). This variant has not been reported in the literature in individuals affected with COL9A3-related conditions. ClinVar contains an entry for this variant (Variation ID: 1986928). An algorithm developed to predict the effect of missense changes on protein structure and function (PolyPhen-2) suggests that this variant is likely to be disruptive. In summary, the available evidence is currently insufficient to determine the role of this variant in disease. Therefore, it has been classified as a Variant of Uncertain Significance.